The following is an entry in ClinVar:

NC_000018.9:g.(?_52888562)_53256860del

Gene: TCF4 (transcription factor 4; minus strand).
Variant type: Deletion.
Identifiers: ClinVar variation 1074252 (VCV001074252.2).

ClinVar aggregate classification (germline): Pathogenic (1 of 4 stars; one submission).

Conditions:
Pitt-Hopkins syndrome (PTHS). Also called: ENCEPHALOPATHY, SEVERE EPILEPTIC, WITH AUTONOMIC DYSFUNCTION; MENTAL RETARDATION, SYNDROMAL, WITH INTERMITTENT HYPERVENTILATION. Identifiers: Orphanet 2896, MedGen C1970431, MONDO:0012589, OMIM 610954.

Submission:

Labcorp Genetics (formerly Invitae), Labcorp
Classification: Pathogenic for Pitt-Hopkins syndrome. Last evaluated: 2019-11-15. Review status: criteria provided, single submitter. Criteria: Invitae Variant Classification Sherloc (09022015). Collection method: clinical testing. Allele origin: germline.
Comment: A gross deletion of the genomic region encompassing the full coding sequence of the TCF4 gene has been identified. The boundaries of this event are unknown as the deletion extends beyond the assayed region for this gene and therefore may encompass additional genes. Isolated whole-gene deletions of TCF4 have not been reported in the literature. However, larger copy number events that include this gene have been reported (PMID: 23248353, 19938247, 17436254, 17436255, 23165966). Loss-of-function variants in TCF4 are known to be pathogenic (PMID: 18728071, 22045651). For these reasons, this variant has been classified as Pathogenic.

Literature cited by the submitters: PubMed 23248353; PubMed 19938247; PubMed 17436254; PubMed 17436255; PubMed 23165966; PubMed 18728071; PubMed 22045651.